The following is an entry in ClinVar:

ClinVar aggregate classification (germline): Uncertain significance (1 of 4 stars; one submission).

Conditions:
Long QT syndrome (LQTS). Identifiers: MedGen C0023976, MeSH D008133, MONDO:0002442. Disease mechanism: loss of function. Inheritance: Various modes of inheritance.

gnomAD v4.1: 1 of 1,613,854 alleles (0.000062%); highest among the groups gnomAD compares: Non-Finnish European, 0.000085%; no homozygotes.

Submission:

Labcorp Genetics (formerly Invitae), Labcorp
Classification: Uncertain significance for Long QT syndrome. Last evaluated: 2025-06-03. Review status: criteria provided, single submitter. Criteria: Invitae Variant Classification Sherloc (09022015). Collection method: clinical testing. Allele origin: germline.
Comment: This sequence change replaces alanine, which is neutral and non-polar, with valine, which is neutral and non-polar, at codon 525 of the AKAP9 protein (p.Ala525Val). This variant is not present in population databases (gnomAD no frequency). This variant has not been reported in the literature in individuals affected with AKAP9-related conditions. An algorithm developed to predict the effect of missense changes on protein structure and function outputs the following: PolyPhen-2: "Benign". The valine amino acid residue is found in multiple mammalian species, which suggests that this missense change does not adversely affect protein function. In summary, the available evidence is currently insufficient to determine the role of this variant in disease. Therefore, it has been classified as a Variant of Uncertain Significance.

NM_005751.5(AKAP9):c.1574C>T (p.Ala525Val)

Gene: AKAP9 (A-kinase anchoring protein 9; plus strand). Cytogenetic location: 7q21.2.
Variant type: single nucleotide variant.
Coding change: c.1574C>T on transcript NM_005751.5 (MANE Select); coding-DNA position 1574, C replaced by T.
Protein change: p.Ala525Val; replaces alanine 525 with valine.
Molecular consequence: missense variant.
Genome position (GRCh38, 1-based): chr7:92,001,491, C>T. VCF-style: chr7-92001491-C-T. GRCh37 (hg19) VCF-style: chr7-91630805-C-T.
Other names: c.1574C>T, p.Ala525Val (NM_147185.3); short protein forms A525V.
Identifiers: ClinVar variation 4694431 (VCV004694431.1).